The following is an entry in ClinVar:

NM_152743.4(BRAT1):c.434C>T (p.Ala145Val)

Gene: BRAT1 (BRCA1 associated ATM activator 1; minus strand). Cytogenetic location: 7p22.3.
Variant type: single nucleotide variant.
Coding change: c.434C>T on transcript NM_152743.4 (MANE Select); coding-DNA position 434, C replaced by T.
Protein change: p.Ala145Val; replaces alanine 145 with valine.
Molecular consequence: missense variant. On other transcripts: 5 prime UTR variant (1), non-coding transcript variant (1).
Genome position (GRCh38, 1-based): chr7:2,543,959, G>A on the plus strand (C>T on the coding strand, the complement: BRAT1 is on the minus strand). VCF-style: chr7-2543959-G-A. GRCh37 (hg19) VCF-style: chr7-2583593-G-A.
Other names: c.434C>T, p.Ala145Val (NM_001350626.2); c.-92C>T (NM_001350627.2); short protein forms A145V.
Identifiers: ClinVar variation 540180 (VCV000540180.57), dbSNP rs140833277, ClinGen allele CA4128200.

ClinVar aggregate classification (germline): Conflicting classifications of pathogenicity. Review status: criteria provided, conflicting classifications (1 of 4 stars). 5 submissions from 5 submitters: Uncertain significance (1); Likely benign (3). 1 of the submissions does not count toward it. Last evaluated 2026-01-26.

Conditions:
BRAT1-related disorder. Also called: BRAT1-related disorders; BRAT1-related condition.
Neonatal-onset encephalopathy with rigidity and seizures. Also called: Lethal neonatal spasticity-epileptic encephalopathy syndrome. Identifiers: Orphanet 435845, MedGen C3281029, MONDO:0013784, OMIM 614498.

Allele frequency attached by ClinVar (database versions not stated): ESP Exome Variant Server 0.00070; gnomAD exomes 0.00082; ExAC 0.00084; gnomAD 0.00088 and 0.00095; TOPMed 0.00092.
gnomAD v4.1: 1,756 of 1,566,410 alleles (0.11%); highest among the groups gnomAD compares: Non-Finnish European, 0.13%; 2 homozygotes.

Submissions (5):

Labcorp Genetics (formerly Invitae), Labcorp
Classification: Likely benign for Neonatal-onset encephalopathy with rigidity and seizures. Last evaluated: 2026-01-26. Review status: criteria provided, single submitter. Criteria: Invitae Variant Classification Sherloc (09022015). Collection method: clinical testing. Allele origin: germline.

GeneDx
Classification: Likely benign. Last evaluated: 2020-06-18. Review status: criteria provided, single submitter. Criteria: GeneDx Variant Classification Process June 2021. Collection method: clinical testing. Allele origin: germline. Affected: yes.

Athena Diagnostics
Classification: Likely benign. Last evaluated: 2019-05-03. Review status: criteria provided, single submitter. Criteria: Athena Diagnostics Criteria. Collection method: clinical testing. Allele origin: germline.

CeGaT Center for Human Genetics Tuebingen
Classification: Uncertain significance. Last evaluated: 2017-11-01. Review status: criteria provided, single submitter. Criteria: CeGaT Center For Human Genetics Tuebingen Variant Classification Criteria Version 2. Collection method: clinical testing. Allele origin: germline. Affected: yes. Observed: 1 variant allele.

PreventionGenetics, part of Exact Sciences
Classification: Likely benign for BRAT1-related condition. Last evaluated: 2022-10-18. Review status: no assertion criteria provided. Collection method: clinical testing. Allele origin: germline. Not counted in ClinVar's aggregate classification.
Comment: This variant is classified as likely benign based on ACMG/AMP sequence variant interpretation guidelines (Richards et al. 2015 PMID: 25741868, with internal and published modifications).